The following is an entry in ClinVar:

NM_001165963.4(SCN1A):c.1220T>A (p.Ile407Asn)

Gene: SCN1A (sodium voltage-gated channel alpha subunit 1; minus strand). Cytogenetic location: 2q24.3.
Variant type: single nucleotide variant.
Coding change: c.1220T>A on transcript NM_001165963.4 (MANE Select); coding-DNA position 1220, T replaced by A.
Protein change: p.Ile407Asn; replaces isoleucine 407 with asparagine.
Molecular consequence: missense variant. On other transcripts: 5 prime UTR variant (1), non-coding transcript variant (1).
Genome position (GRCh38, 1-based): chr2:166,046,927, A>T on the plus strand (T>A on the coding strand, the complement: SCN1A is on the minus strand). VCF-style: chr2-166046927-A-T. GRCh37 (hg19) VCF-style: chr2-166903437-A-T.
Other names: c.1220T>A, p.Ile407Asn (NM_001165964.3, NM_001202435.3, NM_001353948.2 and 10 more transcripts); c.-1206T>A (NM_001353961.2); short protein forms I407N.
Identifiers: ClinVar variation 848499 (VCV000848499.10), dbSNP rs398123581, ClinGen allele CA349070952.

ClinVar aggregate classification (germline): Likely pathogenic (1 of 4 stars; one submission).

Conditions:
Early-infantile DEE. Also called: Ohtahara syndrome; Early infantile epileptic encephalopathy with suppression bursts; Early infantile epileptic encephalopathy. Identifiers: Orphanet 1934, MedGen C0393706, MONDO:0800491.

Submission:

Labcorp Genetics (formerly Invitae), Labcorp
Classification: Likely pathogenic for Early-infantile DEE. Last evaluated: 2022-07-06. Review status: criteria provided, single submitter. Criteria: Invitae Variant Classification Sherloc (09022015). Collection method: clinical testing. Allele origin: germline.
Comment: In summary, the currently available evidence indicates that the variant is pathogenic, but additional data are needed to prove that conclusively. Therefore, this variant has been classified as Likely Pathogenic. Advanced modeling of protein sequence and biophysical properties (such as structural, functional, and spatial information, amino acid conservation, physicochemical variation, residue mobility, and thermodynamic stability) performed at Invitae indicates that this missense variant is expected to disrupt SCN1A protein function. This sequence change replaces isoleucine, which is neutral and non-polar, with asparagine, which is neutral and polar, at codon 407 of the SCN1A protein (p.Ile407Asn). This variant is not present in population databases (gnomAD no frequency). This missense change has been observed in individuals with clinical features of SCN1A-related conditions (Invitae). ClinVar contains an entry for this variant (Variation ID: 848499).